The following is an entry in ClinVar:

ClinVar aggregate classification (germline): Pathogenic (1 of 4 stars; one submission).

Conditions:
Joubert syndrome. Also called: CEREBELLOPARENCHYMAL DISORDER IV; JOUBERT-BOLTSHAUSER SYNDROME; Familial aplasia of the vermis. Identifiers: Orphanet 475, MedGen C5979921, MONDO:0018772.

Submission:

Labcorp Genetics (formerly Invitae), Labcorp
Classification: Pathogenic for Joubert syndrome. Last evaluated: 2025-06-12. Review status: criteria provided, single submitter. Criteria: Invitae Variant Classification Sherloc (09022015). Collection method: clinical testing. Allele origin: germline.
Comment: This sequence change creates a premature translational stop signal (p.Ser1005*) in the AHI1 gene. It is expected to result in an absent or disrupted protein product. Loss-of-function variants in AHI1 are known to be pathogenic (PMID: 15322546, 16453322, 28442542, 29186038). This variant is not present in population databases (gnomAD no frequency). This variant has not been reported in the literature in individuals affected with AHI1-related conditions. ClinVar contains an entry for this variant (Variation ID: 3649405). For these reasons, this variant has been classified as Pathogenic.

Literature cited by the submitters: PubMed 15322546; PubMed 16453322; PubMed 28442542; PubMed 29186038.

NM_001134831.2(AHI1):c.3014C>G (p.Ser1005Ter)

Gene: AHI1 (Abelson helper integration site 1; minus strand). Cytogenetic location: 6q23.3.
Variant type: single nucleotide variant.
Coding change: c.3014C>G on transcript NM_001134831.2 (MANE Select); coding-DNA position 3014, C replaced by G.
Protein change: p.Ser1005Ter; replaces serine 1005 with a stop codon.
Molecular consequence: nonsense.
Genome position (GRCh38, 1-based): chr6:135,394,871, G>C on the plus strand (C>G on the coding strand, the complement: AHI1 is on the minus strand). VCF-style: chr6-135394871-G-C. GRCh37 (hg19) VCF-style: chr6-135716009-G-C.
Other names: c.3014C>G, p.Ser1005Ter (NM_001134832.2, NM_001350503.2, NM_001350504.2 and 2 more transcripts); short protein forms S1005*.
Identifiers: ClinVar variation 3649405 (VCV003649405.2).